The following is an entry in ClinVar:

NM_004565.3(PEX14):c.31A>G (p.Ser11Gly)

Gene: PEX14 (peroxisomal biogenesis factor 14; plus strand). Cytogenetic location: 1p36.22.
Variant type: single nucleotide variant.
Coding change: c.31A>G on transcript NM_004565.3 (MANE Select); coding-DNA position 31, A replaced by G.
Protein change: p.Ser11Gly; replaces serine 11 with glycine.
Molecular consequence: missense variant.
Genome position (GRCh38, 1-based): chr1:10,474,997, A>G. VCF-style: chr1-10474997-A-G. GRCh37 (hg19) VCF-style: chr1-10535054-A-G.
Other names: c.31A>G (NM_004565.2); short protein forms S11G.
Identifiers: ClinVar variation 1055842 (VCV001055842.9), dbSNP rs896802943, ClinGen allele CA17905392.

ClinVar aggregate classification (germline): Uncertain significance. Review status: criteria provided, multiple submitters, no conflicts (2 of 4 stars). 3 submissions from 3 submitters: Uncertain significance (3). Last evaluated 2025-06-19.

Conditions:
PEX14-related disorder. Also called: PEX14-related condition.
Peroxisome biogenesis disorder, complementation group K (CGK). Identifiers: MedGen C1866257, MONDO:0800365.
Inborn genetic diseases. Identifiers: MedGen C0950123, MeSH D030342.

Allele frequency attached by ClinVar (database versions not stated): gnomAD exomes below 0.00001 and 0.00001; TOPMed below 0.00001.
gnomAD v4.1: 3 of 1,610,302 alleles (0.00019%); highest among the groups gnomAD compares: Non-Finnish European, 0.00025%; no homozygotes.

Submissions (3):

PreventionGenetics, part of Exact Sciences
Classification: Uncertain significance for PEX14-related condition. Last evaluated: 2025-06-19. Review status: criteria provided, single submitter. Criteria: ACMG Guidelines, 2015. Collection method: clinical testing. Allele origin: germline.
Comment: The PEX14 c.31A>G variant is predicted to result in the amino acid substitution p.Ser11Gly. To our knowledge, this variant has not been reported in the literature. This variant is reported in 0.00093% of alleles in individuals of European (Non-Finnish) descent in gnomAD. At this time, the clinical significance of this variant is uncertain due to the absence of conclusive functional and genetic evidence.

Ambry Genetics
Classification: Uncertain significance for Inborn genetic diseases. Last evaluated: 2022-12-21. Review status: criteria provided, single submitter. Criteria: Ambry Variant Classification Scheme 2023. Collection method: clinical testing. Allele origin: germline.

Labcorp Genetics (formerly Invitae), Labcorp
Classification: Uncertain significance for Peroxisome biogenesis disorder, complementation group K. Last evaluated: 2021-08-28. Review status: criteria provided, single submitter. Criteria: Invitae Variant Classification Sherloc (09022015). Collection method: clinical testing. Allele origin: germline.
Comment: This sequence change replaces serine with glycine at codon 11 of the PEX14 protein (p.Ser11Gly). The serine residue is weakly conserved and there is a small physicochemical difference between serine and glycine. This variant is not present in population databases (ExAC no frequency). This variant has not been reported in the literature in individuals affected with PEX14-related conditions. Algorithms developed to predict the effect of missense changes on protein structure and function output the following: SIFT: "Tolerated"; PolyPhen-2: "Not Available"; Align-GVGD: "Class C0". The glycine amino acid residue is found in multiple mammalian species, which suggests that this missense change does not adversely affect protein function. In summary, the available evidence is currently insufficient to determine the role of this variant in disease. Therefore, it has been classified as a Variant of Uncertain Significance.